The following is an entry in ClinVar:

NM_005051.3(QARS1):c.1195G>A (p.Glu399Lys)

Gene: QARS1 (glutaminyl-tRNA synthetase 1; minus strand). Cytogenetic location: 3p21.31.
Variant type: single nucleotide variant.
Coding change: c.1195G>A on transcript NM_005051.3 (MANE Select); coding-DNA position 1195, G replaced by A.
Protein change: p.Glu399Lys; replaces glutamic acid 399 with lysine.
Molecular consequence: missense variant. On other transcripts: non-coding transcript variant (1).
Genome position (GRCh38, 1-based): chr3:49,100,061, C>T on the plus strand (G>A on the coding strand, the complement: QARS1 is on the minus strand). VCF-style: chr3-49100061-C-T. GRCh37 (hg19) VCF-style: chr3-49137494-C-T.
Other names: c.1162G>A, p.Glu388Lys (NM_001272073.2); short protein forms E399K, E388K.
Identifiers: ClinVar variation 544138 (VCV000544138.9), dbSNP rs143072084, ClinGen allele CA2391845.

ClinVar aggregate classification (germline): Uncertain significance. Review status: criteria provided, multiple submitters, no conflicts (2 of 4 stars). 4 submissions from 4 submitters: Uncertain significance (4). Last evaluated 2024-11-01.

Conditions:
Diffuse cerebral and cerebellar atrophy - intractable seizures - progressive microcephaly syndrome. Also called: Microcephaly, progressive, with seizures and cerebral and cerebellar atrophy. Identifiers: Orphanet 404437, MedGen C4014239, MONDO:0014335, OMIM 615760.

Allele frequency attached by ClinVar (database versions not stated): TOPMed 0.00012; gnomAD 0.00014 and 0.00015; gnomAD exomes 0.00020 and 0.00023; ESP Exome Variant Server 0.00023; ExAC 0.00026.

Submissions (4):

Blueprint Genetics
Classification: Uncertain significance. Last evaluated: 2024-11-01. Review status: criteria provided, single submitter. Criteria: ACMG Guidelines, 2015. Collection method: clinical testing. Allele origin: germline.

GeneDx
Classification: Uncertain significance. Last evaluated: 2024-05-14. Review status: criteria provided, single submitter. Criteria: GeneDx Variant Classification Process June 2021. Collection method: clinical testing. Allele origin: germline. Affected: yes.
Comment: In silico analysis indicates that this missense variant does not alter protein structure/function; This variant is associated with the following publications: (PMID: 32579932, 25471517, 28404951, 26740555, 26415585)

Labcorp Genetics (formerly Invitae), Labcorp
Classification: Uncertain significance for Diffuse cerebral and cerebellar atrophy - intractable seizures - progressive microcephaly syndrome. Last evaluated: 2022-10-21. Review status: criteria provided, single submitter. Criteria: Invitae Variant Classification Sherloc (09022015). Collection method: clinical testing. Allele origin: germline.
Comment: This sequence change replaces glutamic acid, which is acidic and polar, with lysine, which is basic and polar, at codon 399 of the QARS protein (p.Glu399Lys). This variant is present in population databases (rs143072084, gnomAD 0.1%). This variant has not been reported in the literature in individuals affected with QARS-related conditions. ClinVar contains an entry for this variant (Variation ID: 544138). Advanced modeling of protein sequence and biophysical properties (such as structural, functional, and spatial information, amino acid conservation, physicochemical variation, residue mobility, and thermodynamic stability) has been performed at Invitae for this missense variant, however the output from this modeling did not meet the statistical confidence thresholds required to predict the impact of this variant on QARS protein function. In summary, the available evidence is currently insufficient to determine the role of this variant in disease. Therefore, it has been classified as a Variant of Uncertain Significance.

Baylor Genetics
Classification: Uncertain significance for Diffuse cerebral and cerebellar atrophy - intractable seizures - progressive microcephaly syndrome. Last evaluated: 2020-03-12. Review status: criteria provided, single submitter. Criteria: ACMG Guidelines, 2015. Collection method: clinical testing. Allele origin: unknown. Affected: yes.
Comment: This variant was determined to be of uncertain significance according to ACMG Guidelines, 2015 [PMID:25741868].